The following is an entry in ClinVar:

NM_015072.5(TTLL5):c.2100C>A (p.Phe700Leu)

Gene: TTLL5 (tubulin tyrosine ligase like 5; plus strand). Cytogenetic location: 14q24.3.
Variant type: single nucleotide variant.
Coding change: c.2100C>A on transcript NM_015072.5 (MANE Select); coding-DNA position 2100, C replaced by A.
Protein change: p.Phe700Leu; replaces phenylalanine 700 with leucine.
Molecular consequence: missense variant.
Genome position (GRCh38, 1-based): chr14:75,771,818, C>A. VCF-style: chr14-75771818-C-A. GRCh37 (hg19) VCF-style: chr14-76238161-C-A.
Other names: short protein forms F700L.
Identifiers: ClinVar variation 1944377 (VCV001944377.6), dbSNP rs144604316, ClinGen allele CA7279597.

ClinVar aggregate classification (germline): Uncertain significance. Review status: criteria provided, multiple submitters, no conflicts (2 of 4 stars). 2 submissions from 2 submitters: Uncertain significance (2). Last evaluated 2025-11-05.

Allele frequency attached by ClinVar (database versions not stated): ExAC 0.00002; TOPMed 0.00002; gnomAD 0.00003; ESP Exome Variant Server 0.00015; 1000 Genomes Project 30x 0.00016; 1000 Genomes Project 0.00020.
gnomAD v4.1: 5 of 1,614,020 alleles (0.00031%); highest among the groups gnomAD compares: African/African-American, 0.0067%; no homozygotes.

Submissions (2):

Labcorp Genetics (formerly Invitae), Labcorp
Classification: Uncertain significance. Last evaluated: 2025-11-05. Review status: criteria provided, single submitter. Criteria: Invitae Variant Classification Sherloc (09022015). Collection method: clinical testing. Allele origin: germline.
Comment: This sequence change replaces phenylalanine, which is neutral and non-polar, with leucine, which is neutral and non-polar, at codon 700 of the TTLL5 protein (p.Phe700Leu). This variant is present in population databases (rs144604316, gnomAD 0.02%). This variant has not been reported in the literature in individuals affected with TTLL5-related conditions. ClinVar contains an entry for this variant (Variation ID: 1944377). Invitae Evidence Modeling of protein sequence and biophysical properties (such as structural, functional, and spatial information, amino acid conservation, physicochemical variation, residue mobility, and thermodynamic stability) indicates that this missense variant is not expected to disrupt TTLL5 protein function with a negative predictive value of 80%. In summary, the available evidence is currently insufficient to determine the role of this variant in disease. Therefore, it has been classified as a Variant of Uncertain Significance.

Blueprint Genetics
Classification: Uncertain significance. Last evaluated: 2022-04-11. Review status: criteria provided, single submitter. Criteria: ACMG Guidelines, 2015. Collection method: clinical testing. Allele origin: germline.